The following is an entry in ClinVar:

NM_000059.4(BRCA2):c.831dup (p.Ser278Ter)

Gene: BRCA2 (BRCA2 DNA repair associated; plus strand). Cytogenetic location: 13q13.1.
Variant type: Duplication.
Coding change: c.831dup on transcript NM_000059.4 (MANE Select); coding-DNA position 831, one base duplicated (T; older notation c.831dupT).
Protein change: p.Ser278Ter; replaces serine 278 with a stop codon.
Molecular consequence: nonsense.
Genome position (GRCh38, 1-based): chr13:32,332,309, T duplicated. VCF-style (leftmost placement, unchanged base first): chr13-32332308-A-AT. GRCh37 (hg19) VCF-style: chr13-32906445-A-AT.
Other names: 1059insT; c.831dupT (NM_000059.3); short protein forms S278*.
Identifiers: ClinVar variation 267069 (VCV000267069.6), dbSNP rs886040759, ClinGen allele CA10589054.
Genomic context (GRCh38, chr13:32,332,308, plus strand): 5'-TGCTTCTGTTTTATACTTTAACAGGATTTGGAAAAACATCAGGGAATTCATTTAAAGTAA[A>AT]TAGCTGCAAAGACCACATTGGAAAGTCAATGCCAAATGTCCTAGAAGATGAAGTATATGA-3'

ClinVar aggregate classification (germline): Pathogenic. Review status: reviewed by expert panel (3 of 4 stars). 3 submissions from 3 submitters: Pathogenic (1). 2 of the submissions do not count toward it. Last evaluated 2016-10-18.

Conditions:
Breast-ovarian cancer, familial, susceptibility to, 2 (BROVCA2). Also called: BRCA2 Hereditary Breast and Ovarian Cancer. Identifiers: Orphanet 145, MedGen C2675520, MONDO:0012933, OMIM 612555. Disease mechanism: loss of function.
Hereditary cancer-predisposing syndrome. Also called: Neoplastic Syndromes, Hereditary; Hereditary Cancer Syndrome; Tumor predisposition; Hereditary neoplastic syndrome. Identifiers: Orphanet 140162, MedGen C0027672, MeSH D009386, MONDO:0015356.

Submissions (3):

Evidence-based Network for the Interpretation of Germline Mutant Alleles (ENIGMA)
Classification: Pathogenic for Breast-ovarian cancer, familial, susceptibility to, 2. Last evaluated: 2016-10-18. Review status: reviewed by expert panel. Criteria: ENIGMA BRCA1/2 Classification Criteria (2015). Collection method: curation. Allele origin: germline.
Comment: Variant allele predicted to encode a truncated non-functional protein.

Ambry Genetics
Classification: Pathogenic for Hereditary cancer-predisposing syndrome. Last evaluated: 2026-06-02. Review status: criteria provided, single submitter. Criteria: Ambry Variant Classification Scheme 2023. Collection method: clinical testing. Allele origin: germline. Not counted in ClinVar's aggregate classification.
Comment: The c.831dupT pathogenic mutation, located in coding exon 9 of the BRCA2 gene, results from a duplication of T at nucleotide position 831, causing a translational frameshift with a predicted alternate stop codon (p.S278*). This variant is considered to be rare based on population cohorts in the Genome Aggregation Database (gnomAD). This variant is expected to result in loss of function by premature protein truncation or nonsense-mediated mRNA decay. As such, this variant is interpreted as a disease-causing mutation.

Consortium of Investigators of Modifiers of BRCA1/2 (CIMBA), c/o University of Cambridge
Classification: Pathogenic for Breast-ovarian cancer, familial, susceptibility to, 2. Last evaluated: 2015-10-02. Review status: criteria provided, single submitter. Criteria: CIMBA Mutation Classification guidelines May 2016. Collection method: clinical testing. Allele origin: germline. Not counted in ClinVar's aggregate classification.